The following is an entry in ClinVar:

NM_007294.4(BRCA1):c.4844C>G (p.Ala1615Gly)

Gene: BRCA1 (BRCA1 DNA repair associated; minus strand). Cytogenetic location: 17q21.31.
Variant type: single nucleotide variant.
Coding change: c.4844C>G on transcript NM_007294.4 (MANE Select); coding-DNA position 4844, C replaced by G.
Protein change: p.Ala1615Gly; replaces alanine 1615 with glycine.
Molecular consequence: missense variant. On other transcripts: non-coding transcript variant (1).
Genome position (GRCh38, 1-based): chr17:43,071,070, G>C on the plus strand (C>G on the coding strand, the complement: BRCA1 is on the minus strand). VCF-style: chr17-43071070-G-C. GRCh37 (hg19) VCF-style: chr17-41223087-G-C.
Other names: c.4634C>G, p.Ala1545Gly (NM_001407885.1, NM_001407886.1, NM_001407887.1 and 5 more transcripts); c.4631C>G, p.Ala1544Gly (NM_001407894.1, NM_001407895.1, NM_001407896.1 and 12 more transcripts); c.4628C>G, p.Ala1543Gly (NM_001407915.1, NM_001407916.1, NM_001407917.1 and 1 more transcripts); c.4580C>G, p.Ala1527Gly (NM_001407920.1, NM_001407921.1, NM_001407922.1 and 4 more transcripts); c.4721C>G, p.Ala1574Gly (NM_001407919.1, NM_001407664.1, NM_001407665.1 and 6 more transcripts); c.4841C>G, p.Ala1614Gly (NM_001407621.1, NM_001407622.1, NM_001407623.1 and 17 more transcripts); c.4838C>G, p.Ala1613Gly (NM_001407627.1, NM_001407628.1, NM_001407629.1 and 14 more transcripts); c.4835C>G, p.Ala1612Gly (NM_001407644.1, NM_001407645.1); and 70 more; short protein forms A511G, A1568G, A1615G, A1636G, A1318G, A1488G, A1527G, A1571G.
Identifiers: ClinVar variation 953690 (VCV000953690.12), dbSNP rs1555580805, ClinGen allele CA10591836.

ClinVar aggregate classification (germline): Uncertain significance. Review status: criteria provided, multiple submitters, no conflicts (2 of 4 stars). 2 submissions from 2 submitters: Uncertain significance (2). Last evaluated 2025-03-12.

Conditions:
Hereditary breast ovarian cancer syndrome. Also called: Hereditary breast and ovarian cancer; Hereditary breast and/or ovarian cancer syndrome; Hereditary breast and ovarian cancer syndrome; Hereditary breast and ovarian cancer syndrome (HBOC); Breast and ovarian cancer; BRCA1- and BRCA2-Associated Hereditary Breast and Ovarian Cancer. Identifiers: Orphanet 145, MedGen C0677776, MeSH D061325, MONDO:0003582. Disease mechanism: loss of function.
Hereditary cancer-predisposing syndrome. Also called: Hereditary neoplastic syndrome; Tumor predisposition; Neoplastic Syndromes, Hereditary; Hereditary Cancer Syndrome. Identifiers: Orphanet 140162, MedGen C0027672, MeSH D009386, MONDO:0015356.

Submissions (2):

Ambry Genetics
Classification: Uncertain significance for Hereditary cancer-predisposing syndrome. Last evaluated: 2025-03-12. Review status: criteria provided, single submitter. Criteria: Ambry Variant Classification Scheme 2023. Collection method: clinical testing. Allele origin: germline.
Comment: The p.A1615G variant (also known as c.4844C>G), located in coding exon 14 of the BRCA1 gene, results from a C to G substitution at nucleotide position 4844. The alanine at codon 1615 is replaced by glycine, an amino acid with similar properties. This amino acid position is well conserved in available vertebrate species. In addition, the in silico prediction for this alteration is inconclusive. Based on the available evidence, the clinical significance of this variant remains unclear.

Labcorp Genetics (formerly Invitae), Labcorp
Classification: Uncertain significance for Hereditary breast ovarian cancer syndrome. Last evaluated: 2019-11-14. Review status: criteria provided, single submitter. Criteria: Invitae Variant Classification Sherloc (09022015). Collection method: clinical testing. Allele origin: germline.
Comment: Algorithms developed to predict the effect of missense changes on protein structure and function (SIFT, PolyPhen-2, Align-GVGD) all suggest that this variant is likely to be tolerated, but these predictions have not been confirmed by published functional studies and their clinical significance is uncertain. Algorithms developed to predict the effect of sequence changes on RNA splicing suggest that this variant may create or strengthen a splice site, but this prediction has not been confirmed by published transcriptional studies. In summary, the available evidence is currently insufficient to determine the role of this variant in disease. Therefore, it has been classified as a Variant of Uncertain Significance. This variant has not been reported in the literature in individuals with BRCA1-related conditions. This sequence change replaces alanine with glycine at codon 1615 of the BRCA1 protein (p.Ala1615Gly). The alanine residue is moderately conserved and there is a small physicochemical difference between alanine and glycine. This variant is not present in population databases (ExAC no frequency).